The following is an entry in ClinVar:

ClinVar aggregate classification (germline): Uncertain significance (1 of 4 stars; one submission).

Conditions:
Nephronophthisis. Also called: Juvenile Nephronophthisis. Identifiers: Orphanet 655, MedGen C0687120, MONDO:0019005, HP:0000090.

Submission:

Labcorp Genetics (formerly Invitae), Labcorp
Classification: Uncertain significance for Nephronophthisis. Last evaluated: 2022-11-28. Review status: criteria provided, single submitter. Criteria: Invitae Variant Classification Sherloc (09022015). Collection method: clinical testing. Allele origin: germline.
Comment: This sequence change replaces glutamine, which is neutral and polar, with histidine, which is basic and polar, at codon 1106 of the NPHP3 protein (p.Gln1106His). This variant is not present in population databases (gnomAD no frequency). This variant has not been reported in the literature in individuals affected with NPHP3-related conditions. ClinVar contains an entry for this variant (Variation ID: 1480649). Advanced modeling of protein sequence and biophysical properties (such as structural, functional, and spatial information, amino acid conservation, physicochemical variation, residue mobility, and thermodynamic stability) performed at Invitae indicates that this missense variant is expected to disrupt NPHP3 protein function. In summary, the available evidence is currently insufficient to determine the role of this variant in disease. Therefore, it has been classified as a Variant of Uncertain Significance.

NM_153240.5(NPHP3):c.3318A>C (p.Gln1106His)

Genes: NPHP3 (nephrocystin 3; minus strand), NPHP3-ACAD11 (NPHP3-ACAD11 readthrough (NMD candidate); minus strand). Cytogenetic location: 3q22.1.
Variant type: single nucleotide variant.
Coding change: c.3318A>C on transcript NM_153240.5 (MANE Select); coding-DNA position 3318, A replaced by C.
Protein change: p.Gln1106His; replaces glutamine 1106 with histidine.
Molecular consequence: missense variant. On other transcripts: non-coding transcript variant (1).
Genome position (GRCh38, 1-based): chr3:132,686,271, T>G on the plus strand (A>C on the coding strand, the complement: NPHP3 is on the minus strand). VCF-style: chr3-132686271-T-G. GRCh37 (hg19) VCF-style: chr3-132405115-T-G.
Other names: short protein forms Q1106H.
Identifiers: ClinVar variation 1480649 (VCV001480649.6), dbSNP rs1161730457, ClinGen allele CA354579281.